The following is an entry in ClinVar:

ClinVar aggregate classification (germline): Uncertain significance. Review status: criteria provided, multiple submitters, no conflicts (2 of 4 stars). 3 submissions from 3 submitters: Uncertain significance (3). Last evaluated 2026-08-06.

Conditions:
Gorlin syndrome. Also called: Nevoid Basal Cell Carcinoma Syndrome; Basal cell nevus syndrome. Identifiers: Orphanet 377, MedGen C0004779, MONDO:0007187.
Basal cell carcinoma, susceptibility to, 1. Also called: BCC1. Identifiers: MedGen C2751544, MONDO:0011556, OMIM 605462.

Allele frequency attached by ClinVar (database versions not stated): gnomAD 0.00001; gnomAD exomes 0.00001 and 0.00002; TOPMed 0.00002; ExAC 0.00003; ESP Exome Variant Server 0.00015.
gnomAD v4.1: 20 of 1,613,862 alleles (0.0012%); highest among the groups gnomAD compares: East Asian, 0.0045%; no homozygotes.

Submissions (3):

OLLIN Analises Genomicas, OLLIN
Classification: Uncertain significance for Basal cell carcinoma, susceptibility to, 1. Last evaluated: 2026-08-06. Review status: criteria provided, single submitter. Criteria: ACMG Guidelines 2015 PMID 25741868. Collection method: clinical testing. Allele origin: germline.
Comment: This missense variant, located in exon 13 (of 22), has been reported in ClinVar (accession VCV001408997.9) and in gnomAD with an allele frequency of 0.0012%. However, to our knowledge, it has not been reported in the scientific literature. In silico analysis predicts that this variant has a deleterious effect. According to the currently available evidence, this variant has been classified as uncertain significance (PP3_M).

Labcorp Genetics (formerly Invitae), Labcorp
Classification: Uncertain significance for Gorlin syndrome. Last evaluated: 2022-05-27. Review status: criteria provided, single submitter. Criteria: Invitae Variant Classification Sherloc (09022015). Collection method: clinical testing. Allele origin: germline.
Comment: In summary, the available evidence is currently insufficient to determine the role of this variant in disease. Therefore, it has been classified as a Variant of Uncertain Significance. Algorithms developed to predict the effect of missense changes on protein structure and function are either unavailable or do not agree on the potential impact of this missense change (SIFT: "Deleterious"; PolyPhen-2: "Probably Damaging"; Align-GVGD: "Class C0"). This variant has not been reported in the literature in individuals affected with PTCH2-related conditions. This variant is present in population databases (rs375224102, gnomAD 0.01%). This sequence change replaces arginine, which is basic and polar, with histidine, which is basic and polar, at codon 561 of the PTCH2 protein (p.Arg561His).

Ambry Genetics
Classification: Uncertain significance. Last evaluated: 2021-08-23. Review status: criteria provided, single submitter. Criteria: Ambry Variant Classification Scheme 2023. Collection method: clinical testing. Allele origin: germline.

NM_003738.5(PTCH2):c.1682G>A (p.Arg561His)

Gene: PTCH2 (patched 2; minus strand). Cytogenetic location: 1p34.1.
Variant type: single nucleotide variant.
Coding change: c.1682G>A on transcript NM_003738.5 (MANE Select); coding-DNA position 1682, G replaced by A.
Protein change: p.Arg561His; replaces arginine 561 with histidine.
Molecular consequence: missense variant.
Genome position (GRCh38, 1-based): chr1:44,828,323, C>T on the plus strand (G>A on the coding strand, the complement: PTCH2 is on the minus strand). VCF-style: chr1-44828323-C-T. GRCh37 (hg19) VCF-style: chr1-45293995-C-T.
Other names: c.1682G>A (NM_003738.4); c.1682G>A, p.Arg561His (NM_001166292.2); short protein forms R561H.
Identifiers: ClinVar variation 1408997 (VCV001408997.10), dbSNP rs375224102, ClinGen allele CA823209.